The following is an entry in ClinVar:

NM_004336.5(BUB1):c.1615G>A (p.Gly539Arg)

Gene: BUB1 (BUB1 mitotic checkpoint serine/threonine kinase; minus strand). Cytogenetic location: 2q13.
Variant type: single nucleotide variant.
Coding change: c.1615G>A on transcript NM_004336.5 (MANE Select); coding-DNA position 1615, G replaced by A.
Protein change: p.Gly539Arg; replaces glycine 539 with arginine.
Molecular consequence: missense variant.
Genome position (GRCh38, 1-based): chr2:110,657,547, C>T on the plus strand (G>A on the coding strand, the complement: BUB1 is on the minus strand). VCF-style: chr2-110657547-C-T. GRCh37 (hg19) VCF-style: chr2-111415124-C-T.
Other names: c.1555G>A, p.Gly519Arg (NM_001278616.2); c.1615G>A, p.Gly539Arg (NM_001278617.2); short protein forms G519R, G539R.
Identifiers: ClinVar variation 1776477 (VCV001776477.2), dbSNP rs2468007327, ClinGen allele CA348211703.

ClinVar aggregate classification (germline): Uncertain significance (1 of 4 stars; one submission).

gnomAD v4.1: 1 of 1,593,852 alleles (0.000063%); no homozygotes.

Submission:

Ambry Genetics
Classification: Uncertain significance. Last evaluated: 2021-10-05. Review status: criteria provided, single submitter. Criteria: Ambry Variant Classification Scheme 2023. Collection method: clinical testing. Allele origin: germline.
Comment: The p.G539R variant (also known as c.1615G>A), located in coding exon 14 of the BUB1 gene, results from a G to A substitution at nucleotide position 1615. The glycine at codon 539 is replaced by arginine, an amino acid with dissimilar properties. This amino acid position is conserved. In addition, the in silico prediction for this alteration is inconclusive. Since supporting evidence is limited at this time, the clinical significance of this alteration remains unclear.